The following is an entry in ClinVar:

ClinVar aggregate classification (germline): Conflicting classifications of pathogenicity. Review status: criteria provided, conflicting classifications (1 of 4 stars). 3 submissions from 3 submitters: Uncertain significance (1); Likely benign (2). Last evaluated 2026-02-20.

Conditions:
FANCD2-related disorder. Also called: FANCD2-related condition.
Fanconi anemia (FA). Also called: Fanconi's anemia. Identifiers: Orphanet 84, MedGen C0015625, MeSH D005199, MONDO:0019391.
Fanconi anemia complementation group D2. Also called: FANCD2-Related Fanconi Anemia; FANCONI PANCYTOPENIA, TYPE 4; FANCONI ANEMIA, COMPLEMENTATION GROUP D. Identifiers: Orphanet 84, MedGen C3160738, MONDO:0009214, OMIM 227646.

Allele frequency attached by ClinVar (database versions not stated): gnomAD exomes 0.00001; ExAC 0.00002; gnomAD 0.00006 and 0.00007; 1000 Genomes Project 0.00020; TOPMed 0.00024; 1000 Genomes Project 30x 0.00031.
gnomAD v4.1: 20 of 1,571,326 alleles (0.0013%); highest among the groups gnomAD compares: Admixed American, 0.02%; no homozygotes.

Submissions (3):

PreventionGenetics, part of Exact Sciences
Classification: Likely benign for FANCD2-related condition. Last evaluated: 2026-02-20. Review status: criteria provided, single submitter. Criteria: ACMG Guidelines, 2015. Collection method: clinical testing. Allele origin: germline.
Comment: This variant is classified as likely benign based on ACMG/AMP sequence variant interpretation guidelines (Richards et al. 2015 PMID: 25741868, with internal and published modifications).

Labcorp Genetics (formerly Invitae), Labcorp
Classification: Likely benign for Fanconi anemia. Last evaluated: 2026-01-20. Review status: criteria provided, single submitter. Criteria: Invitae Variant Classification Sherloc (09022015). Collection method: clinical testing. Allele origin: germline.

Illumina Laboratory Services, Illumina
Classification: Uncertain significance for Fanconi anemia complementation group D2. Last evaluated: 2018-01-12. Review status: criteria provided, single submitter. Criteria: ICSL Variant Classification Criteria 13 December 2019. Collection method: clinical testing. Allele origin: germline.

NM_001018115.3(FANCD2):c.1546-8T>C

Genes: FANCD2 (FA complementation group D2; plus strand), LOC107303338 (3p25 FANCD2 Alu-mediated recombination region; plus strand). Cytogenetic location: 3p25.3.
Variant type: single nucleotide variant.
Coding change: c.1546-8T>C on transcript NM_001018115.3 (MANE Select); 8 bases into the intron before coding-DNA position 1546, T replaced by C.
Molecular consequence: intron variant.
Genome position (GRCh38, 1-based): chr3:10,052,379, T>C. VCF-style: chr3-10052379-T-C. GRCh37 (hg19) VCF-style: chr3-10094063-T-C.
Other names: c.1546-8T>C (NM_001319984.2, NM_033084.6, NM_001374254.1 and 1 more transcripts); c.1545+2874T>C (NM_001374253.1).
Identifiers: ClinVar variation 342271 (VCV000342271.13), dbSNP rs530202330, ClinGen allele CA2249711.
Genomic context (GRCh38, chr3:10,052,379, plus strand): 5'-TAATTTTTTGAATTTTAAGGGAAAAATGTTAGCTGCTAGCCTCATTGTTGGCATCATTTT[T>C]TCCACAGGGCATTTTAGATTATCTGGATAACATATCCCCTCAGCAAATACGAAAACTCTT-3'